The following is an entry in ClinVar:

ClinVar aggregate classification (germline): Uncertain significance. Review status: criteria provided, multiple submitters, no conflicts (2 of 4 stars). 3 submissions from 3 submitters: Uncertain significance (3). Last evaluated 2025-06-16.

Conditions:
Global developmental delay - lung cysts - overgrowth - Wilms tumor syndrome. Also called: GLOBAL DEVELOPMENTAL DELAY, LUNG CYSTS, OVERGROWTH, AND WILMS TUMOR; GLOW Syndrome. Identifiers: Orphanet 404476, MedGen C4748924, MONDO:0018445, OMIM 618272.
Hereditary cancer-predisposing syndrome. Also called: Neoplastic Syndromes, Hereditary; Hereditary Cancer Syndrome; Hereditary neoplastic syndrome; Tumor predisposition. Identifiers: Orphanet 140162, MedGen C0027672, MeSH D009386, MONDO:0015356.
DICER1-related tumor predisposition. Also called: DICER1 syndrome; DICER1-related pleuropulmonary blastoma cancer predisposition syndrome. Identifiers: Orphanet 284343, MedGen C3839822, MONDO:0100216.

gnomAD v4.1: 2 of 1,614,126 alleles (0.00012%); highest among the groups gnomAD compares: East Asian, 0.0045%; no homozygotes.

Submissions (3):

Labcorp Genetics (formerly Invitae), Labcorp
Classification: Uncertain significance for DICER1-related tumor predisposition. Last evaluated: 2025-06-16. Review status: criteria provided, single submitter. Criteria: Invitae Variant Classification Sherloc (09022015). Collection method: clinical testing. Allele origin: germline.
Comment: This sequence change replaces arginine, which is basic and polar, with lysine, which is basic and polar, at codon 1676 of the DICER1 protein (p.Arg1676Lys). This variant is present in population databases (no rsID available, gnomAD 0.006%). This variant has not been reported in the literature in individuals affected with DICER1-related conditions. ClinVar contains an entry for this variant (Variation ID: 848706). Invitae Evidence Modeling of protein sequence and biophysical properties (such as structural, functional, and spatial information, amino acid conservation, physicochemical variation, residue mobility, and thermodynamic stability) indicates that this missense variant is not expected to disrupt DICER1 protein function with a negative predictive value of 95%. In summary, the available evidence is currently insufficient to determine the role of this variant in disease. Therefore, it has been classified as a Variant of Uncertain Significance.

Ambry Genetics
Classification: Uncertain significance for Hereditary cancer-predisposing syndrome. Last evaluated: 2025-02-18. Review status: criteria provided, single submitter. Criteria: Ambry Variant Classification Scheme 2023. Collection method: clinical testing. Allele origin: germline.
Comment: The p.R1676K variant (also known as c.5027G>A), located in coding exon 22 of the DICER1 gene, results from a G to A substitution at nucleotide position 5027. The arginine at codon 1676 is replaced by lysine, an amino acid with highly similar properties. This amino acid position is not well conserved in available vertebrate species. In addition, this alteration is predicted to be tolerated by in silico analysis. Based on the available evidence, the clinical significance of this variant remains unclear.

Baylor Genetics
Classification: Uncertain significance for Global developmental delay - lung cysts - overgrowth - Wilms tumor syndrome. Last evaluated: 2023-08-25. Review status: criteria provided, single submitter. Criteria: ACMG Guidelines, 2015. Collection method: clinical testing. Allele origin: unknown.

NM_177438.3(DICER1):c.5027G>A (p.Arg1676Lys)

Gene: DICER1 (dicer 1, ribonuclease III; minus strand). Cytogenetic location: 14q32.13.
Variant type: single nucleotide variant.
Coding change: c.5027G>A on transcript NM_177438.3 (MANE Select); coding-DNA position 5027, G replaced by A.
Protein change: p.Arg1676Lys; replaces arginine 1676 with lysine.
Molecular consequence: missense variant.
Genome position (GRCh38, 1-based): chr14:95,095,893, C>T on the plus strand (G>A on the coding strand, the complement: DICER1 is on the minus strand). VCF-style: chr14-95095893-C-T. GRCh37 (hg19) VCF-style: chr14-95562230-C-T.
Other names: c.5027G>A, p.Arg1676Lys (NM_001195573.1, NM_001271282.3, NM_001291628.2 and 1 more transcripts); short protein forms R1676K.
Identifiers: ClinVar variation 848706 (VCV000848706.14), dbSNP rs375465466, ClinGen allele CA390866065.
Genomic context (GRCh38, chr14:95,095,893, plus strand): 5'-GTATTGTAGTGGTAGGAGGCATGTGTAAAAGCCTGGAGAAGGTAAGCCTTATTCTTGAAT[C>T]TGTAGTTGATTTTCTTTTCAAAATTTTCAAACCCCGATATAAGGTGATTCAGTGTTTTAT-3'
Protein context (NP_803187.1, residues 1666-1686): FENFEKKINY[Arg1676Lys]FKNKAYLLQA